The following is an entry in ClinVar:

ClinVar aggregate classification (germline): Uncertain significance. Review status: criteria provided, multiple submitters, no conflicts (2 of 4 stars). 4 submissions from 4 submitters: Uncertain significance (4). Last evaluated 2025-12-24.

Conditions:
Colorectal cancer. Also called: Colorectal cancer, somatic; Malignant Colorectal Neoplasm. Identifiers: MedGen C0346629, MONDO:0005575, OMIM 114500.
Hereditary cancer-predisposing syndrome. Also called: Hereditary neoplastic syndrome; Neoplastic Syndromes, Hereditary; Tumor predisposition; Hereditary Cancer Syndrome. Identifiers: Orphanet 140162, MedGen C0027672, MeSH D009386, MONDO:0015356.
Oligodontia-cancer predisposition syndrome. Also called: TOOTH AGENESIS-COLORECTAL CANCER SYNDROME. Identifiers: Orphanet 300576, MedGen C1837750, MONDO:0012075, OMIM 608615. Disease mechanism: loss of function.

Allele frequency attached by ClinVar (database versions not stated): TOPMed 0.00001.

Submissions (4):

Labcorp Genetics (formerly Invitae), Labcorp
Classification: Uncertain significance for Oligodontia-cancer predisposition syndrome. Last evaluated: 2025-12-24. Review status: criteria provided, single submitter. Criteria: Invitae Variant Classification Sherloc (09022015). Collection method: clinical testing. Allele origin: germline.
Comment: This sequence change replaces arginine, which is basic and polar, with lysine, which is basic and polar, at codon 354 of the AXIN2 protein (p.Arg354Lys). This variant is not present in population databases (gnomAD no frequency). This variant has not been reported in the literature in individuals affected with AXIN2-related conditions. ClinVar contains an entry for this variant (Variation ID: 565786). An algorithm developed to predict the effect of missense changes on protein structure and function (PolyPhen-2) suggests that this variant is likely to be tolerated. In summary, the available evidence is currently insufficient to determine the role of this variant in disease. Therefore, it has been classified as a Variant of Uncertain Significance.

Baylor Genetics
Classification: Uncertain significance for Colorectal cancer. Last evaluated: 2024-03-06. Review status: criteria provided, single submitter. Criteria: ACMG Guidelines, 2015. Collection method: clinical testing. Allele origin: unknown.

Ambry Genetics
Classification: Uncertain significance for Hereditary cancer-predisposing syndrome. Last evaluated: 2023-12-11. Review status: criteria provided, single submitter. Criteria: Ambry Variant Classification Scheme 2023. Collection method: clinical testing. Allele origin: germline.
Comment: The p.R354K variant (also known as c.1061G>A), located in coding exon 4 of the AXIN2 gene, results from a G to A substitution at nucleotide position 1061. The arginine at codon 354 is replaced by lysine, an amino acid with highly similar properties. This amino acid position is conserved. In addition, the in silico prediction for this alteration is inconclusive. Since supporting evidence is limited at this time, the clinical significance of this alteration remains unclear.

GeneDx
Classification: Uncertain significance. Last evaluated: 2023-07-03. Review status: criteria provided, single submitter. Criteria: GeneDx Variant Classification Process June 2021. Collection method: clinical testing. Allele origin: germline. Affected: yes.
Comment: Not observed at significant frequency in large population cohorts (gnomAD); In silico analysis supports that this missense variant has a deleterious effect on protein structure/function; Has not been previously published as pathogenic or benign to our knowledge; This variant is associated with the following publications: (PMID: 15735151)

NM_004655.4(AXIN2):c.1061G>A (p.Arg354Lys)

Gene: AXIN2 (axin 2; minus strand). Cytogenetic location: 17q24.1.
Variant type: single nucleotide variant.
Coding change: c.1061G>A on transcript NM_004655.4 (MANE Select); coding-DNA position 1061, G replaced by A.
Protein change: p.Arg354Lys; replaces arginine 354 with lysine.
Molecular consequence: missense variant.
Genome position (GRCh38, 1-based): chr17:65,538,342, C>T on the plus strand (G>A on the coding strand, the complement: AXIN2 is on the minus strand). VCF-style: chr17-65538342-C-T. GRCh37 (hg19) VCF-style: chr17-63534460-C-T.
Other names: c.1061G>A (LRG_296t1); c.1061G>A, p.Arg354Lys (NM_001363813.1); short protein forms R354K.
Identifiers: ClinVar variation 565786 (VCV000565786.13), dbSNP rs906309952, ClinGen allele CA293099057.
Genomic context (GRCh38, chr17:65,538,342, plus strand): 5'-AGCTCAGCTGCAAAGGTGGCGGGTTCCACGGGGGTCATCTCCTTGGGCAGGCGGTGGGTT[C>T]TCTACAGGACGTGGAAAGGAAAGGGAGGAGGCACGTTCAGCAGGCTAGGTGGGCGGTGGC-3'
Protein context (NP_004646.3, residues 344-364): NGQVSLPHFP[Arg354Lys]THRLPKEMTP